The following is an entry in ClinVar:

ClinVar aggregate classification (germline): Pathogenic/Likely pathogenic. Review status: criteria provided, multiple submitters, no conflicts (2 of 4 stars). 2 submissions from 2 submitters: Pathogenic (1); Likely pathogenic (1). Last evaluated 2024-03-02.

Conditions:
Autosomal recessive nonsyndromic hearing loss 59. Identifiers: Orphanet 90636, MedGen C1857744, MONDO:0012445, OMIM 610220.

Submissions (2):

Labcorp Genetics (formerly Invitae), Labcorp
Classification: Pathogenic. Last evaluated: 2024-03-02. Review status: criteria provided, single submitter. Criteria: Invitae Variant Classification Sherloc (09022015). Collection method: clinical testing. Allele origin: germline.
Comment: This sequence change creates a premature translational stop signal (p.Ser275Phefs*2) in the DFNB59 gene. While this is not anticipated to result in nonsense mediated decay, it is expected to disrupt the last 78 amino acid(s) of the DFNB59 protein. This variant is present in population databases (rs757539839, gnomAD 0.002%). This variant has not been reported in the literature in individuals affected with DFNB59-related conditions. This variant disrupts a region of the DFNB59 protein in which other variant(s) (p.Val330Leufs*7) have been determined to be pathogenic (PMID: 17718865). This suggests that this is a clinically significant region of the protein, and that variants that disrupt it are likely to be disease-causing. For these reasons, this variant has been classified as Pathogenic.

Fulgent Genetics
Classification: Likely pathogenic for Autosomal recessive nonsyndromic hearing loss 59. Last evaluated: 2024-01-26. Review status: criteria provided, single submitter. Criteria: ACMG Guidelines, 2015. Collection method: clinical testing. Allele origin: germline.

Literature cited by the submitters: PubMed 17718865 (cited by Labcorp Genetics (formerly Invitae), Labcorp).

NM_001042702.5(PJVK):c.823dup (p.Ser275fs)

Gene: PJVK (pejvakin; plus strand). Cytogenetic location: 2q31.2.
Variant type: Duplication.
Coding change: c.823dup on transcript NM_001042702.5 (MANE Select); coding-DNA position 823, one base duplicated (T; older notation c.823dupT).
Protein change: p.Ser275fs; shifts the reading frame from serine 275.
Molecular consequence: frameshift variant.
Genome position (GRCh38, 1-based): chr2:178,461,038, T duplicated; the last of 6 consecutive T bases (chr2:178,461,033-178,461,038); duplicating any one gives the same sequence. VCF-style (leftmost placement, unchanged base first): chr2-178461032-C-CT. GRCh37 (hg19) VCF-style: chr2-179325759-C-CT.
Other names: c.832dup, p.Ser278fs (NM_001353775.2); c.829dup, p.Ser277fs (NM_001353776.2); c.346dup, p.Ser116fs (NM_001353777.1, NM_001353778.2); c.823dup, p.Ser275fs (NM_001369912.1); short protein forms S277fs, S116fs, S275fs, S278fs.
Identifiers: ClinVar variation 2887049 (VCV002887049.4), dbSNP rs757539839, ClinGen allele CA1984308.